The following is an entry in ClinVar:

ClinVar aggregate classification (germline): Uncertain significance (1 of 4 stars; one submission).

Conditions:
Cardiovascular phenotype. Identifiers: MedGen CN230736.

Submission:

Ambry Genetics
Classification: Uncertain significance for Cardiovascular phenotype. Last evaluated: 2026-06-15. Review status: criteria provided, single submitter. Criteria: Ambry Variant Classification Scheme 2023. Collection method: clinical testing. Allele origin: germline.
Comment: The c.1904-2delA intronic variant results from a deletion of one nucleotide at position c.1904-2 and involves the canonical splice acceptor site before coding exon 15 of the DSP gene. Variants that disrupt the canonical splice site are expected to result in aberrant splicing. In silico splice site analysis predicts that this alteration will weaken the native splice acceptor site and may result in the creation or strengthening of a novel splice acceptor site. A resulting transcript is predicted to be in-frame and is not expected to trigger nonsense-mediated mRNA decay, although direct evidence is unavailable. This nucleotide position is highly conserved in available vertebrate species. Based on the available evidence, the clinical significance of this variant remains unclear.

NM_004415.4(DSP):c.1904-2del

Gene: DSP (desmoplakin; plus strand). Cytogenetic location: 6p24.3.
Variant type: Deletion.
Coding change: c.1904-2del on transcript NM_004415.4 (MANE Select); the canonical splice acceptor site of the intron before coding-DNA position 1904, one base deleted (A; older notation c.1904-2delA).
Molecular consequence: splice acceptor variant.
Genome position (GRCh38, 1-based): chr6:7,571,840, A deleted. VCF-style (leftmost placement, unchanged base first): chr6-7571839-CA-C. GRCh37 (hg19) VCF-style: chr6-7572072-CA-C.
Other names: c.1904-2del (NM_001319034.2, NM_001008844.3).
Identifiers: ClinVar variation 5035628 (VCV005035628.1).